The following is an entry in ClinVar:

ClinVar aggregate classification (germline): Uncertain significance. Review status: criteria provided, multiple submitters, no conflicts (2 of 4 stars). 2 submissions from 2 submitters: Uncertain significance (2). Last evaluated 2025-04-12.

Conditions:
Inborn genetic diseases. Identifiers: MedGen C0950123, MeSH D030342.

gnomAD v4.1: 33 of 1,613,578 alleles (0.002%); highest among the groups gnomAD compares: Non-Finnish European, 0.0027%; no homozygotes.

Submissions (2):

Ambry Genetics
Classification: Uncertain significance for Inborn genetic diseases. Last evaluated: 2025-04-12. Review status: criteria provided, single submitter. Criteria: Ambry Variant Classification Scheme 2023. Collection method: clinical testing. Allele origin: germline.

GeneDx
Classification: Uncertain significance. Last evaluated: 2022-12-05. Review status: criteria provided, single submitter. Criteria: GeneDx Variant Classification Process June 2021. Collection method: clinical testing. Allele origin: germline. Affected: yes.
Comment: In silico analysis supports that this missense variant does not alter protein structure/function; Has not been previously published as pathogenic or benign to our knowledge

NM_015909.4(NBAS):c.23C>T (p.Pro8Leu)

Genes: NBAS (NBAS subunit of NRZ tethering complex; minus strand), LOC129933155 (ATAC-STARR-seq lymphoblastoid active region 15346; plus strand). Cytogenetic location: 2p24.3.
Variant type: single nucleotide variant.
Coding change: c.23C>T on transcript NM_015909.4 (MANE Select); coding-DNA position 23, C replaced by T.
Protein change: p.Pro8Leu; replaces proline 8 with leucine.
Molecular consequence: missense variant. On other transcripts: non-coding transcript variant (1).
Genome position (GRCh38, 1-based): chr2:15,561,282, G>A on the plus strand (C>T on the coding strand, the complement: NBAS is on the minus strand). VCF-style: chr2-15561282-G-A. GRCh37 (hg19) VCF-style: chr2-15701406-G-A.
Other names: c.23C>T (NM_015909.2); short protein forms P8L.
Identifiers: ClinVar variation 2504405 (VCV002504405.2), dbSNP rs560008282, ClinGen allele CA1537254.